The following is an entry in ClinVar:

NM_001369.3(DNAH5):c.5122G>T (p.Glu1708Ter)

Gene: DNAH5 (dynein axonemal heavy chain 5; minus strand). Cytogenetic location: 5p15.2.
Variant type: single nucleotide variant.
Coding change: c.5122G>T on transcript NM_001369.3 (MANE Select); coding-DNA position 5122, G replaced by T.
Protein change: p.Glu1708Ter; replaces glutamic acid 1708 with a stop codon.
Molecular consequence: nonsense.
Genome position (GRCh38, 1-based): chr5:13,844,986, C>A on the plus strand (G>T on the coding strand, the complement: DNAH5 is on the minus strand). VCF-style: chr5-13844986-C-A. GRCh37 (hg19) VCF-style: chr5-13845095-C-A.
Other names: short protein forms E1708*.
Identifiers: ClinVar variation 4814897 (VCV004814897.1), dbSNP rs2151870502.

ClinVar aggregate classification (germline): Likely pathogenic (1 of 4 stars; one submission).

Conditions:
Primary ciliary dyskinesia. Also called: Ciliary dyskinesia. Identifiers: Orphanet 244, MedGen C0008780, MONDO:0016575, HP:0012265.

Submission:

Natera, Inc.
Classification: Likely pathogenic for Primary ciliary dyskinesia. Last evaluated: 2024-11-12. Review status: criteria provided, single submitter. Criteria: Natera Variant Classification Schema (03/2026). Collection method: clinical testing. Allele origin: germline.
Comment: The c.5122G>T variant in DNAH5 is a nonsense variant predicted to introduce a stop codon at amino acid 1708. This variant is expected to result in nonsense mediated decay, truncation, or a dysfunctional protein product. This variant is rare in the general population with a frequency below the threshold expected for the associated phenotype(s). Given the available evidence, this variant is classified as Likely Pathogenic.